The following is an entry in ClinVar:

NM_000444.6(PHEX):c.664-2A>G

Gene: PHEX (phosphate regulating endopeptidase X-linked; plus strand). Cytogenetic location: Xp22.11.
Variant type: single nucleotide variant.
Coding change: c.664-2A>G on transcript NM_000444.6 (MANE Select); the canonical splice acceptor site of the intron before coding-DNA position 664, A replaced by G.
Molecular consequence: splice acceptor variant.
Genome position (GRCh38, 1-based): chrX:22,090,427, A>G. VCF-style: chrX-22090427-A-G. GRCh37 (hg19) VCF-style: chrX-22108545-A-G.
Other names: c.664-2A>G (NM_001282754.2).
Identifiers: ClinVar variation 2034921 (VCV002034921.4), dbSNP rs1131692026, ClinGen allele CA412571987.
Genomic context (GRCh38, chrX:22,090,427, plus strand): 5'-GTTAACATGGTACGTAAGAATTTACAGTGCTAGCAGAATGCTTTCTGTTTTTGTTTTTAC[A>G]GCTGGACCAAGCAACACTCTCCCTGGCCGTGAGGGAAGACTACCTTGATAACAGTACAGA-3'

ClinVar aggregate classification (germline): Pathogenic (1 of 4 stars; one submission).

Submission:

Labcorp Genetics (formerly Invitae), Labcorp
Classification: Pathogenic. Last evaluated: 2022-11-22. Review status: criteria provided, single submitter. Criteria: Invitae Variant Classification Sherloc (09022015). Collection method: clinical testing. Allele origin: germline.
Comment: This sequence change affects an acceptor splice site in intron 5 of the PHEX gene. RNA analysis indicates that disruption of this splice site induces altered splicing and likely results in the loss of 23 amino acid residue(s), but is expected to preserve the integrity of the reading-frame. This variant is not present in population databases (gnomAD no frequency). Disruption of this splice site has been observed in individual(s) with clinical features of hypophosphatemia (PMID: 30682568, 32329911; Invitae). In at least one individual the variant was observed to be de novo. Studies have shown that disruption of this splice site results in the activation of a cryptic splice site in exon 6 (PMID: 32329911). For these reasons, this variant has been classified as Pathogenic.

Literature cited by the submitters: PubMed 30682568; PubMed 32329911.